The following is an entry in ClinVar:

NM_152443.3(RDH12):c.437T>A (p.Val146Asp)

Genes: GPHN (gephyrin; plus strand), RDH12 (retinol dehydrogenase 12; plus strand). Cytogenetic location: 14q24.1.
Variant type: single nucleotide variant.
Coding change: c.437T>A on transcript NM_152443.3 (MANE Select); coding-DNA position 437, T replaced by A.
Protein change: p.Val146Asp; replaces valine 146 with aspartic acid.
Molecular consequence: missense variant.
Genome position (GRCh38, 1-based): chr14:67,726,144, T>A. VCF-style: chr14-67726144-T-A. GRCh37 (hg19) VCF-style: chr14-68192861-T-A.
Other names: short protein forms V146D.
Identifiers: ClinVar variation 841398 (VCV000841398.17), dbSNP rs116649873, ClinGen allele CA262808941.

ClinVar aggregate classification (germline): Pathogenic. Review status: criteria provided, multiple submitters, no conflicts (2 of 4 stars). 6 submissions from 6 submitters: Pathogenic (6). Last evaluated 2025-10-08.

Conditions:
Leber congenital amaurosis (LCA). Also called: Leber's amaurosis. Identifiers: Orphanet 65, MedGen C0339527, MeSH D057130, MONDO:0018998.
RDH12-related disorder. Also called: RDH12-related condition; RDH12-related disorders.
Leber congenital amaurosis 13 (LCA13). Identifiers: MedGen C2675186, MONDO:0012990, OMIM 612712.

Allele frequency attached by ClinVar (database versions not stated): gnomAD exomes below 0.00001 and 0.00001; TOPMed 0.00002.
gnomAD v4.1: 6 of 1,605,168 alleles (0.00037%); highest among the groups gnomAD compares: East Asian, 0.013%; no homozygotes.

Submissions (6):

3billion
Classification: Pathogenic for Leber congenital amaurosis 13. Last evaluated: 2025-10-08. Review status: criteria provided, single submitter. Criteria: ACMG Guidelines, 2015. Collection method: clinical testing. Allele origin: germline. Affected: yes.
Comment: The variant is observed at an extremely low frequency in the gnomAD v4.1.0 dataset (total allele frequency: <0.001%). Predicted Consequence/Location: Missense variant In silico tool predictions suggest damaging effect of the variant on gene or gene product [REVEL: 0.95 (>=0.6, sensitivity 0.68 and specificity 0.92)]. The same nucleotide change resulting in the same amino acid change has been previously reported as pathogenic/likely pathogenic with strong evidence (ClinVar ID: VCV000841398 /PMID: 23661369). The variant has been reported to be in trans with a pathogenic variant as either compound heterozygous or homozygous in at least one similarly affected unrelated individual (PMID: 26047050, 26124963). The variant has been reported to co-segregate with the disease in at least one similarly affected relative/individual in the same family or similarly affected unrelated families (PMID: 26124963). Therefore, this variant is classified as Pathogenic according to the recommendation of ACMG/AMP guideline.

Natera, Inc.
Classification: Pathogenic for Leber congenital amaurosis. Last evaluated: 2025-03-12. Review status: criteria provided, single submitter. Criteria: Natera Variant Classification Schema (03/2026). Collection method: clinical testing. Allele origin: germline.
Comment: The c.437T>A variant in RDH12 is a missense variant predicted to cause substitution of valine to aspartic acid at amino acid 146. This variant is rare in the general population with a frequency below the threshold expected for the associated phenotype(s). This variant has been observed in one or more individuals affected with the associated recessive disease, as either homozygous or compound heterozygous with a second variant (PMID: 33090715, 26047050). Given the available evidence, this variant is classified as Pathogenic.

GeneDx
Classification: Pathogenic. Last evaluated: 2024-12-30. Review status: criteria provided, single submitter. Criteria: GeneDx Variant Classification Process June 2021. Collection method: clinical testing. Allele origin: germline. Affected: yes.
Comment: In silico analysis supports that this missense variant has a deleterious effect on protein structure/function; This variant is associated with the following publications: (PMID: 33970760, 26047050, 30029497, 31054281, 31630094, 23661369, 26124963, 30134391, 33090715, 36690427, 34130719, 36729443, 31964843, 35006499)

Labcorp Genetics (formerly Invitae), Labcorp
Classification: Pathogenic for Leber congenital amaurosis 13. Last evaluated: 2024-03-21. Review status: criteria provided, single submitter. Criteria: Invitae Variant Classification Sherloc (09022015). Collection method: clinical testing. Allele origin: germline.
Comment: This sequence change replaces valine, which is neutral and non-polar, with aspartic acid, which is acidic and polar, at codon 146 of the RDH12 protein (p.Val146Asp). This variant is present in population databases (rs116649873, gnomAD 0.02%). This missense change has been observed in individuals with autosomal recessive RDH12-related conditions (PMID: 23661369, 26047050, 26124963, 30134391). It has also been observed to segregate with disease in related individuals. ClinVar contains an entry for this variant (Variation ID: 841398). Advanced modeling of protein sequence and biophysical properties (such as structural, functional, and spatial information, amino acid conservation, physicochemical variation, residue mobility, and thermodynamic stability) performed at Invitae indicates that this missense variant is expected to disrupt RDH12 protein function with a positive predictive value of 80%. For these reasons, this variant has been classified as Pathogenic.

Blueprint Genetics
Classification: Pathogenic for RDH12-related disorders. Last evaluated: 2023-08-16. Review status: criteria provided, single submitter. Criteria: ACMG Guidelines, 2015. Collection method: clinical testing. Allele origin: germline. Affected: yes. Observed: 3 variant alleles.

Juno Genomics, Hangzhou Juno Genomics, Inc
Classification: Pathogenic for Leber congenital amaurosis 13. Review status: criteria provided, single submitter. Criteria: ACMG Guidelines, 2015. Collection method: clinical testing. Allele origin: germline. Affected: yes.
Comment: Absent from controls (or at extremely low frequency if recessive) in Genome Aggregation Database, Exome Sequencing Project, 1000 Genomes Project, or Exome Aggregation Consortium.;Multiple lines of computational evidence support a deleterious effect on the gene or gene product (conservation, evolutionary, splicing impact, etc).;For recessive disorders, detected in trans with a pathogenic variant.;Co-segregation with disease in multiple affected family members in a gene definitively known to cause the disease.

Literature cited by the submitters: PubMed 23661369 (cited by 3billion and Labcorp Genetics (formerly Invitae), Labcorp); PubMed 26047050 (cited by 3 submitters); PubMed 26124963 (cited by 3billion and Labcorp Genetics (formerly Invitae), Labcorp); PubMed 33090715 (cited by Natera, Inc.); PubMed 30134391 (cited by Labcorp Genetics (formerly Invitae), Labcorp).